The following is an entry in ClinVar:

ClinVar aggregate classification (germline): Uncertain significance (1 of 4 stars; one submission).

Conditions:
Nephronophthisis 15 (NPHP15). Identifiers: Orphanet 3156, MedGen C3541853, MONDO:0013917, OMIM 614845.

gnomAD v4.1: 2 of 1,610,036 alleles (0.00012%); highest among the groups gnomAD compares: Non-Finnish European, 0.000085%; no homozygotes.

Submission:

Labcorp Genetics (formerly Invitae), Labcorp
Classification: Uncertain significance for Nephronophthisis 15. Last evaluated: 2024-02-10. Review status: criteria provided, single submitter. Criteria: Invitae Variant Classification Sherloc (09022015). Collection method: clinical testing. Allele origin: germline.
Comment: This sequence change affects codon 1167 of the CEP164 mRNA. It is a 'silent' change, meaning that it does not change the encoded amino acid sequence of the CEP164 protein. This variant also falls at the last nucleotide of exon 27, which is part of the consensus splice site for this exon. This variant is not present in population databases (gnomAD no frequency). This variant has not been reported in the literature in individuals affected with CEP164-related conditions. Variants that disrupt the consensus splice site are a relatively common cause of aberrant splicing (PMID: 17576681, 9536098). Algorithms developed to predict the effect of sequence changes on RNA splicing suggest that this variant may disrupt the consensus splice site. In summary, the available evidence is currently insufficient to determine the role of this variant in disease. Therefore, it has been classified as a Variant of Uncertain Significance.

Literature cited by the submitters: PubMed 17576681; PubMed 9536098.

NM_014956.5(CEP164):c.3501G>A (p.Lys1167=)

Gene: CEP164 (centrosomal protein 164; plus strand). Cytogenetic location: 11q23.3.
Variant type: single nucleotide variant.
Coding change: c.3501G>A on transcript NM_014956.5 (MANE Select); coding-DNA position 3501, G replaced by A.
Protein change: p.Lys1167=; no amino-acid change (lysine 1167 retained).
Molecular consequence: synonymous variant.
Genome position (GRCh38, 1-based): chr11:117,397,313, G>A. VCF-style: chr11-117397313-G-A. GRCh37 (hg19) VCF-style: chr11-117268029-G-A.
Other names: c.3510G>A, p.Lys1170= (NM_001271933.2).
Identifiers: ClinVar variation 3729747 (VCV003729747.2).